The following is an entry in ClinVar:

ClinVar aggregate classification (germline): Pathogenic (1 of 4 stars; one submission).

Conditions:
Developmental and epileptic encephalopathy, 2 (DEE2). Also called: INFANTILE SPASM SYNDROME, X-LINKED 2; CDKL5 deficiency disorder. Identifiers: Orphanet 1934, Orphanet 3451, Orphanet 505652, MedGen C4750718, MONDO:0010396, OMIM 300672.
Angelman syndrome-like. Identifiers: MedGen CN128785.

Submission:

Labcorp Genetics (formerly Invitae), Labcorp
Classification: Pathogenic for Developmental and epileptic encephalopathy, 2; Angelman syndrome-like. Last evaluated: 2022-02-04. Review status: criteria provided, single submitter. Criteria: Invitae Variant Classification Sherloc (09022015). Collection method: clinical testing. Allele origin: germline.
Comment: This sequence change creates a premature translational stop signal (p.Glu52*) in the CDKL5 gene. It is expected to result in an absent or disrupted protein product. Loss-of-function variants in CDKL5 are known to be pathogenic (PMID: 22872100). This variant is not present in population databases (gnomAD no frequency). This variant has not been reported in the literature in individuals affected with CDKL5-related conditions. ClinVar contains an entry for this variant (Variation ID: 861338). For these reasons, this variant has been classified as Pathogenic.

Literature cited by the submitters: PubMed 22872100.

NM_001323289.2(CDKL5):c.154G>T (p.Glu52Ter)

Gene: CDKL5 (cyclin dependent kinase like 5; plus strand). Cytogenetic location: Xp22.13.
Variant type: single nucleotide variant.
Coding change: c.154G>T on transcript NM_001323289.2 (MANE Select); coding-DNA position 154, G replaced by T.
Protein change: p.Glu52Ter; replaces glutamic acid 52 with a stop codon.
Molecular consequence: nonsense.
Genome position (GRCh38, 1-based): chrX:18,575,362, G>T. VCF-style: chrX-18575362-G-T. GRCh37 (hg19) VCF-style: chrX-18593482-G-T.
Other names: c.154G>T, p.Glu52Ter (NM_001037343.2, NM_003159.3); short protein forms E52*.
Identifiers: ClinVar variation 861338 (VCV000861338.8), dbSNP rs1925261282, ClinGen allele CA412348490.
Genomic context (GRCh38, chrX:18,575,362, plus strand): 5'-TAGTAGCTTGAAAGTTTTCATTTTAGTCTCTTCACCATTGTTTACATTCTAGAAAATGAA[G>T]AAGTCAAAGAAACGACTTTACGAGAGCTTAAAATGCTTCGGACTCTCAAGCAGGAAAACA-3'